The following is an entry in ClinVar:

NM_005262.3(GFER):c.374A>G (p.Gln125Arg)

Gene: GFER (growth factor, augmenter of liver regeneration; plus strand). Cytogenetic location: 16p13.3.
Variant type: single nucleotide variant.
Coding change: c.374A>G on transcript NM_005262.3 (MANE Select); coding-DNA position 374, A replaced by G.
Protein change: p.Gln125Arg; replaces glutamine 125 with arginine.
Molecular consequence: missense variant.
Genome position (GRCh38, 1-based): chr16:1,984,862, A>G. VCF-style: chr16-1984862-A-G. GRCh37 (hg19) VCF-style: chr16-2034863-A-G.
Other names: short protein forms Q125R.
Identifiers: ClinVar variation 1976671 (VCV001976671.2), dbSNP rs1190836269, ClinGen allele CA394303063.
Genomic context (GRCh38, chr16:1,984,862, plus strand): 5'-ACAGCTGGGCTGTCCTCCACACCCTGGCCGCCTACTACCCCGACCTGCCCACCCCAGAAC[A>G]GCAGCAAGACATGGCCCAGTTCATACATTTATTTTCTAAGTTTTACCCCTGTGAGGAGTG-3'
Protein context (NP_005253.3, residues 115-135): AYYPDLPTPE[Gln125Arg]QQDMAQFIHL

ClinVar aggregate classification (germline): Uncertain significance (1 of 4 stars; one submission).

Allele frequency attached by ClinVar (database versions not stated): gnomAD exomes below 0.00001.

Submission:

Labcorp Genetics (formerly Invitae), Labcorp
Classification: Uncertain significance. Last evaluated: 2022-08-21. Review status: criteria provided, single submitter. Criteria: Invitae Variant Classification Sherloc (09022015). Collection method: clinical testing. Allele origin: germline.
Comment: This sequence change replaces glutamine, which is neutral and polar, with arginine, which is basic and polar, at codon 125 of the GFER protein (p.Gln125Arg). This variant is present in population databases (no rsID available, gnomAD 0.003%). This variant has not been reported in the literature in individuals affected with GFER-related conditions. Algorithms developed to predict the effect of missense changes on protein structure and function are either unavailable or do not agree on the potential impact of this missense change (SIFT: "Deleterious"; PolyPhen-2: "Probably Damaging"; Align-GVGD: "Class C0"). In summary, the available evidence is currently insufficient to determine the role of this variant in disease. Therefore, it has been classified as a Variant of Uncertain Significance.